The following is an entry in ClinVar:

NM_006279.5(ST3GAL3):c.886C>T (p.Arg296Trp)

Gene: ST3GAL3 (ST3 beta-galactoside alpha-2,3-sialyltransferase 3; plus strand). Cytogenetic location: 1p34.1.
Variant type: single nucleotide variant.
Coding change: c.886C>T on transcript NM_006279.5 (MANE Select); coding-DNA position 886, C replaced by T.
Protein change: p.Arg296Trp; replaces arginine 296 with tryptophan.
Molecular consequence: missense variant. On other transcripts: non-coding transcript variant (6), intron variant (11).
Genome position (GRCh38, 1-based): chr1:43,920,545, C>T. VCF-style: chr1-43920545-C-T. GRCh37 (hg19) VCF-style: chr1-44386217-C-T.
Other names: c.796C>T, p.Arg266Trp (NM_001270459.2); c.793C>T, p.Arg265Trp (NM_001270460.2); c.931C>T, p.Arg311Trp (NM_001350619.2, NM_174964.4); c.886C>T, p.Arg296Trp (NM_001350620.2); c.607C>T, p.Arg203Trp (NM_001350621.2); c.838C>T, p.Arg280Trp (NM_001410781.1, NM_174969.4); c.1093C>T, p.Arg365Trp (NM_174963.5); c.1048C>T, p.Arg350Trp (NM_174968.5); and 12 more; short protein forms R203W, R266W, R296W, R365W, R265W, R280W, R334W, R350W.
Identifiers: ClinVar variation 1915149 (VCV001915149.6), dbSNP rs554609799, ClinGen allele CA21670825.

ClinVar aggregate classification (germline): Uncertain significance. Review status: criteria provided, multiple submitters, no conflicts (2 of 4 stars). 2 submissions from 2 submitters: Uncertain significance (2). Last evaluated 2021-12-23.

Conditions:
Early-infantile DEE. Also called: Early infantile epileptic encephalopathy; Ohtahara syndrome; Early infantile epileptic encephalopathy with suppression bursts. Identifiers: Orphanet 1934, MedGen C0393706, MONDO:0800491.
Inborn genetic diseases. Identifiers: MedGen C0950123, MeSH D030342.

Allele frequency attached by ClinVar (database versions not stated): gnomAD 0.00001; 1000 Genomes Project 30x 0.00016; 1000 Genomes Project 0.00020.
gnomAD v4.1: 4 of 1,606,600 alleles (0.00025%); highest among the groups gnomAD compares: East Asian, 0.0023%; no homozygotes.

Submissions (2):

Labcorp Genetics (formerly Invitae), Labcorp
Classification: Uncertain significance for Early-infantile DEE. Last evaluated: 2021-12-23. Review status: criteria provided, single submitter. Criteria: Invitae Variant Classification Sherloc (09022015). Collection method: clinical testing. Allele origin: germline.
Comment: Algorithms developed to predict the effect of missense changes on protein structure and function are either unavailable or do not agree on the potential impact of this missense change (SIFT: "Deleterious"; PolyPhen-2: "Probably Damaging"; Align-GVGD: "Class C0"). In summary, the available evidence is currently insufficient to determine the role of this variant in disease. Therefore, it has been classified as a Variant of Uncertain Significance. This variant has not been reported in the literature in individuals affected with ST3GAL3-related conditions. This sequence change replaces arginine, which is basic and polar, with tryptophan, which is neutral and slightly polar, at codon 296 of the ST3GAL3 protein (p.Arg296Trp). This variant is not present in population databases (gnomAD no frequency).

Ambry Genetics
Classification: Uncertain significance for Inborn genetic diseases. Last evaluated: 2021-12-07. Review status: criteria provided, single submitter. Criteria: Ambry Variant Classification Scheme 2023. Collection method: clinical testing. Allele origin: germline.